The following is an entry in ClinVar:

NM_001370259.2(MEN1):c.861G>T (p.Glu287Asp)

Gene: MEN1 (menin 1; minus strand). Cytogenetic location: 11q13.1.
Variant type: single nucleotide variant.
Coding change: c.861G>T on transcript NM_001370259.2 (MANE Select); coding-DNA position 861, G replaced by T.
Protein change: p.Glu287Asp; replaces glutamic acid 287 with aspartic acid.
Molecular consequence: missense variant. On other transcripts: non-coding transcript variant (4).
Genome position (GRCh38, 1-based): chr11:64,807,062, C>A on the plus strand (G>T on the coding strand, the complement: MEN1 is on the minus strand). VCF-style: chr11-64807062-C-A. GRCh37 (hg19) VCF-style: chr11-64574534-C-A.
Other names: c.876G>T, p.Glu292Asp (NM_000244.4, NM_001407145.1, NM_001407150.1 and 5 more transcripts); c.861G>T, p.Glu287Asp (NM_001370251.2, NM_001370260.2, NM_001370261.2 and 7 more transcripts); c.756G>T, p.Glu252Asp (NM_001370262.2, NM_001370263.2, NM_001407148.1 and 2 more transcripts); short protein forms E252D, E287D, E292D.
Identifiers: ClinVar variation 3229111 (VCV003229111.1), dbSNP rs1336658836, ClinGen allele CA381183600.
Genomic context (GRCh38, chr11:64,807,062, plus strand): 5'-TGCCCCCACCTTGTGGTAGAGGGTGAGTGGGTCTGGCCGGCCAGGGGTGGGCTCCAGCTC[C>A]TCTAGATCTGCCAGGTTCCCTAAGGCCATGGGGTACCTAGGAAAGGATCATAATTCAGGC-3'
Protein context (NP_001357188.2, residues 277-297): PMALGNLADL[Glu287Asp]ELEPTPGRPD

ClinVar aggregate classification (germline): Uncertain significance (1 of 4 stars; one submission).

Conditions:
Hereditary cancer-predisposing syndrome. Also called: Neoplastic Syndromes, Hereditary; Tumor predisposition; Hereditary neoplastic syndrome; Hereditary Cancer Syndrome. Identifiers: Orphanet 140162, MedGen C0027672, MeSH D009386, MONDO:0015356.

Submission:

Ambry Genetics
Classification: Uncertain significance for Hereditary cancer-predisposing syndrome. Last evaluated: 2023-10-01. Review status: criteria provided, single submitter. Criteria: Ambry Variant Classification Scheme 2023. Collection method: clinical testing. Allele origin: germline.
Comment: The p.E287D variant (also known as c.861G>T), located in coding exon 5 of the MEN1 gene, results from a G to T substitution at nucleotide position 861. The glutamic acid at codon 287 is replaced by aspartic acid, an amino acid with highly similar properties. This amino acid position is conserved. In addition, the in silico prediction for this alteration is inconclusive. Since supporting evidence is limited at this time, the clinical significance of this alteration remains unclear.